The following is an entry in ClinVar:

ClinVar aggregate classification (germline): Uncertain significance. Review status: criteria provided, multiple submitters, no conflicts (2 of 4 stars). 3 submissions from 3 submitters: Uncertain significance (2). 1 of the submissions does not count toward it. Last evaluated 2024-11-13.

Conditions:
Retinal dystrophy. Also called: Inherited retinal dystrophy. Identifiers: Orphanet 71862, MedGen C0854723, MeSH D058499, MONDO:0019118, HP:0000556.

Allele frequency attached by ClinVar (database versions not stated): gnomAD exomes 0.00003; ExAC 0.00013; ESP Exome Variant Server 0.00016; 1000 Genomes Project 30x 0.00031; 1000 Genomes Project 0.00040.
gnomAD v4.1: 93 of 1,457,620 alleles (0.0064%); highest among the groups gnomAD compares: Non-Finnish European, 0.0078%; 1 homozygote.

Submissions (3):

Blueprint Genetics
Classification: Uncertain significance. Last evaluated: 2024-11-13. Review status: criteria provided, single submitter. Criteria: ACMG Guidelines, 2015. Collection method: clinical testing. Allele origin: germline.

Labcorp Genetics (formerly Invitae), Labcorp
Classification: Uncertain significance. Last evaluated: 2024-10-22. Review status: criteria provided, single submitter. Criteria: Invitae Variant Classification Sherloc (09022015). Collection method: clinical testing. Allele origin: germline.
Comment: This sequence change replaces threonine, which is neutral and polar, with lysine, which is basic and polar, at codon 5 of the POC1B protein (p.Thr5Lys). This variant is present in population databases (rs202178815, gnomAD 0.01%). This variant has not been reported in the literature in individuals affected with POC1B-related conditions. ClinVar contains an entry for this variant (Variation ID: 1359498). An algorithm developed to predict the effect of missense changes on protein structure and function (PolyPhen-2) suggests that this variant¬†is likely to be tolerated. In summary, the available evidence is currently insufficient to determine the role of this variant in disease. Therefore, it has been classified as a Variant of Uncertain Significance.

Institute of Human Genetics, Univ. Regensburg, Univ. Regensburg
Classification: Uncertain significance for Retinal dystrophy. Last evaluated: 2023-01-01. Review status: no assertion criteria provided. Criteria: ACMG Guidelines, 2015. Collection method: clinical testing. Allele origin: germline. Affected: yes. Not counted in ClinVar's aggregate classification.

NM_172240.3(POC1B):c.14C>A (p.Thr5Lys)

Genes: POC1B (POC1 centriolar protein B; minus strand), POC1B-AS1 (POC1B antisense RNA 1; plus strand), POC1B-DUSP6 (POC1B-DUSP6 readthrough; minus strand), POC1B-GALNT4 (POC1B-GALNT4 readthrough; minus strand), LOC130008357 (ATAC-STARR-seq lymphoblastoid silent region 4694; plus strand). Cytogenetic location: 12q21.33.
Variant type: single nucleotide variant.
Coding change: c.14C>A on transcript NM_172240.3 (MANE Select); coding-DNA position 14, C replaced by A.
Protein change: p.Thr5Lys; replaces threonine 5 with lysine.
Molecular consequence: missense variant. On other transcripts: synonymous variant (1), non-coding transcript variant (1).
Genome position (GRCh38, 1-based): chr12:89,525,882, G>T on the plus strand (C>A on the coding strand, the complement: POC1B is on the minus strand). VCF-style: chr12-89525882-G-T. GRCh37 (hg19) VCF-style: chr12-89919659-G-T.
Other names: c.14C>A, p.Thr5Lys (NM_001199781.2); c.274C>A, p.Arg92= (NM_001199782.1); short protein forms T5K.
Identifiers: ClinVar variation 1359498 (VCV001359498.6), dbSNP rs202178815, ClinGen allele CA6715017.